The following is an entry in ClinVar:

NM_017649.5(CNNM2):c.131C>T (p.Ala44Val)

Gene: CNNM2 (cyclin and CBS domain divalent metal cation transport mediator 2; plus strand). Cytogenetic location: 10q24.32.
Variant type: single nucleotide variant.
Coding change: c.131C>T on transcript NM_017649.5 (MANE Select); coding-DNA position 131, C replaced by T.
Protein change: p.Ala44Val; replaces alanine 44 with valine.
Molecular consequence: missense variant.
Genome position (GRCh38, 1-based): chr10:102,918,611, C>T. VCF-style: chr10-102918611-C-T. GRCh37 (hg19) VCF-style: chr10-104678368-C-T.
Other names: c.131C>T, p.Ala44Val (NM_199076.3, NM_199077.3); short protein forms A44V.
Identifiers: ClinVar variation 4874243 (VCV004874243.3).

ClinVar aggregate classification (germline): Uncertain significance. Review status: criteria provided, multiple submitters, no conflicts (2 of 4 stars). 2 submissions from 2 submitters: Uncertain significance (2). Last evaluated 2026-06-26.

Submissions (2):

Revvity Omics, Revvity
Classification: Uncertain significance. Last evaluated: 2026-06-26. Review status: criteria provided, single submitter. Criteria: ACMG Guidelines, 2015. Collection method: clinical testing. Allele origin: germline.

CeGaT Center for Human Genetics Tuebingen
Classification: Uncertain significance. Last evaluated: 2026-04-01. Review status: criteria provided, single submitter. Criteria: CeGaT Center For Human Genetics Tuebingen Variant Classification Criteria Version 2. Collection method: clinical testing. Allele origin: germline. Affected: yes. Observed: 1 variant allele.
Comment: CNNM2: PM2